The following is an entry in ClinVar:

ClinVar aggregate classification (germline): Pathogenic/Likely pathogenic. Review status: criteria provided, multiple submitters, no conflicts (2 of 4 stars). 12 submissions from 12 submitters: Pathogenic (11); Likely pathogenic (1). Last evaluated 2025-12-17.

Conditions:
CEP290-related disorder. Also called: CEP290-related condition; CEP290-related disorders. Identifiers: MedGen CN239314.
Retinal dystrophy. Also called: Inherited retinal dystrophy. Identifiers: Orphanet 71862, MedGen C0854723, MeSH D058499, MONDO:0019118, HP:0000556.
Joubert syndrome. Also called: Familial aplasia of the vermis; JOUBERT-BOLTSHAUSER SYNDROME. Identifiers: Orphanet 475, MedGen C5979921, MONDO:0018772.
Meckel-Gruber syndrome. Also called: GRUBER SYNDROME; Dysencephalia splachnocystica; DYSENCEPHALIA SPLANCHNOCYSTICA. Identifiers: Orphanet 564, MedGen C0265215, MONDO:0018921.
Nephronophthisis. Also called: Juvenile Nephronophthisis. Identifiers: Orphanet 655, MedGen C0687120, MONDO:0019005, HP:0000090.
Leber congenital amaurosis 10 (LCA10). Identifiers: Orphanet 65, MedGen C1857821, MONDO:0012723, OMIM 611755.
Meckel syndrome, type 4 (MKS4). Also called: MECKEL-GRUBER SYNDROME, TYPE 4. Identifiers: Orphanet 564, MedGen C1970161, MONDO:0012626, OMIM 611134.
Senior-Loken syndrome 6 (SLSN6). Identifiers: Orphanet 3156, MedGen C1857779, MONDO:0012433, OMIM 610189.
Bardet-Biedl syndrome 14 (BBS14). Identifiers: Orphanet 110, MedGen C2673874, MONDO:0014442, OMIM 615991.
Joubert syndrome 5 (JBTS5). Identifiers: Orphanet 2318, MedGen C1857780, MONDO:0012432, OMIM 610188.
Leber congenital amaurosis (LCA). Also called: Leber's amaurosis. Identifiers: Orphanet 65, MedGen C0339527, MeSH D057130, MONDO:0018998.

Submissions (12):

Natera, Inc.
Classification: Pathogenic for Leber congenital amaurosis. Last evaluated: 2025-12-17. Review status: criteria provided, single submitter. Criteria: Natera Variant Classification Schema (03/2026). Collection method: clinical testing. Allele origin: germline.
Comment: The c.6604delA variant in CEP290 is a frameshift variant predicted to shift the reading frame beginning at codon 2202 and leads to a stop codon 24 codons downstream. This variant is expected to result in nonsense mediated decay, truncation, or a dysfunctional protein product. This variant is rare in the general population with a frequency below the threshold expected for the associated phenotype(s). This variant has been observed in one or more individuals affected with the associated recessive disease, as either homozygous or compound heterozygous with a second variant (PMID: 28157192, 17345604). Given the available evidence, this variant is classified as Pathogenic.

Labcorp Genetics (formerly Invitae), Labcorp
Classification: Pathogenic for Joubert syndrome; Meckel-Gruber syndrome; Nephronophthisis. Last evaluated: 2025-07-21. Review status: criteria provided, single submitter. Criteria: Invitae Variant Classification Sherloc (09022015). Collection method: clinical testing. Allele origin: germline.
Comment: This sequence change creates a premature translational stop signal (p.Ile2202Leufs*24) in the CEP290 gene. It is expected to result in an absent or disrupted protein product. Loss-of-function variants in CEP290 are known to be pathogenic (PMID: 16909394, 17345604, 20690115). The frequency data for this variant in the population databases is considered unreliable, as metrics indicate poor data quality at this position in the gnomAD database. This premature translational stop signal has been observed in individuals with Leber congenital amaurosis (PMID: 17345604). This variant is also known as p.Ile2203LeufsX23. ClinVar contains an entry for this variant (Variation ID: 197597). For these reasons, this variant has been classified as Pathogenic.

PreventionGenetics, part of Exact Sciences
Classification: Pathogenic for CEP290-related condition. Last evaluated: 2025-02-26. Review status: criteria provided, single submitter. Criteria: ACMG Guidelines, 2015. Collection method: clinical testing. Allele origin: germline.
Comment: The CEP290 c.6604delA variant is predicted to result in a frameshift and premature protein termination (p.Ile2202Leufs*24). This variant has been reported in the compound heterozygous state in patients with Leber congenital amaurosis (Perrault et al. 2007. PubMed ID: 17345604). This variant is reported in 0.0032% of alleles in individuals of Latino descent in gnomAD. Frameshift variants in CEP290 are expected to be pathogenic. This variant is interpreted as pathogenic.

Fulgent Genetics
Classification: Pathogenic for Joubert syndrome 5; Senior-Loken syndrome 6; Meckel syndrome, type 4; Leber congenital amaurosis 10; Bardet-Biedl syndrome 14. Last evaluated: 2024-05-06. Review status: criteria provided, single submitter. Criteria: ACMG Guidelines, 2015. Collection method: clinical testing. Allele origin: germline.

Blueprint Genetics
Classification: Pathogenic for CEP290-related disorders. Last evaluated: 2024-05-03. Review status: criteria provided, single submitter. Criteria: ACMG Guidelines, 2015. Collection method: clinical testing. Allele origin: germline. Affected: yes. Observed: 4 variant alleles.

Baylor Genetics
Classification: Pathogenic for Bardet-Biedl syndrome 14. Last evaluated: 2023-12-20. Review status: criteria provided, single submitter. Criteria: ACMG Guidelines, 2015. Collection method: clinical testing. Allele origin: unknown.

Department of Pathology and Laboratory Medicine, Sinai Health System
Classification: Pathogenic for Joubert syndrome 5; Senior-Loken syndrome 6; Meckel syndrome, type 4; Leber congenital amaurosis 10; Bardet-Biedl syndrome 14. Last evaluated: 2023-08-21. Review status: criteria provided, single submitter. Criteria: ACMG Guidelines, 2015. Collection method: research. Allele origin: germline.

DBGen Ocular Genomics
Classification: Pathogenic for Leber congenital amaurosis 10. Last evaluated: 2021-06-01. Review status: criteria provided, single submitter. Criteria: ACMG Guidelines, 2015. Collection method: clinical testing. Allele origin: germline. Affected: yes. Observed: 1 variant allele.

Institute of Medical Molecular Genetics, University of Zurich
Classification: Likely pathogenic for Leber congenital amaurosis 10. Last evaluated: 2021-01-30. Review status: criteria provided, single submitter. Criteria: ACMG Guidelines, 2015. Collection method: clinical testing. Allele origin: germline. Affected: yes.

Centre of Medical Genetics, University Hospital Muenster
Classification: Pathogenic. Last evaluated: 2019-11-23. Review status: criteria provided, single submitter. Criteria: ACMG Guidelines, 2015. Collection method: clinical testing. Allele origin: unknown. Affected: yes. Observed: 1 variant allele, 1 homozygote.
Comment: ACMG categories: PVS1,PM2,PP4

Institute of Human Genetics, Univ. Regensburg, Univ. Regensburg
Classification: Pathogenic for Retinal dystrophy. Last evaluated: 2018-01-01. Review status: criteria provided, single submitter. Criteria: ACMG Guidelines, 2015. Collection method: clinical testing. Allele origin: germline. Affected: yes.

Eurofins Ntd Llc (ga)
Classification: Pathogenic. Last evaluated: 2014-08-28. Review status: criteria provided, single submitter. Criteria: EGL Classification Definitions 2015. Collection method: clinical testing. Allele origin: germline. Observed: 1 variant allele, 1 heterozygote.

Literature cited by the submitters: PubMed 28157192 (cited by Natera, Inc.); PubMed 17345604 (cited by 4 submitters); PubMed 16909394 (cited by Labcorp Genetics (formerly Invitae), Labcorp); PubMed 20690115 (cited by Labcorp Genetics (formerly Invitae), Labcorp); PubMed 34196655 (cited by Institute of Human Genetics, Univ. Regensburg, Univ. Regensburg); PubMed 36537646 (cited by Institute of Human Genetics, Univ. Regensburg, Univ. Regensburg); PubMed 36460718 (cited by Institute of Human Genetics, Univ. Regensburg, Univ. Regensburg).

NM_025114.4(CEP290):c.6604del (p.Ile2202fs)

Gene: CEP290 (centrosomal protein 290; minus strand). Cytogenetic location: 12q21.32.
Variant type: Deletion.
Coding change: c.6604del on transcript NM_025114.4 (MANE Select); coding-DNA position 6604, one base deleted (A; older notation c.6604delA).
Protein change: p.Ile2202fs; shifts the reading frame from isoleucine 2202.
Molecular consequence: frameshift variant.
Genome position (GRCh38, 1-based): chr12:88,059,939, T deleted on the plus strand (A on the coding strand, the reverse complement: CEP290 is on the minus strand); the first of 6 consecutive T bases (chr12:88,059,939-88,059,944); deleting any one gives the same sequence. VCF-style (leftmost placement, unchanged base first): chr12-88059938-AT-A. GRCh37 (hg19) VCF-style: chr12-88453715-AT-A.
Other names: c.6604delA (NM_025114.3); short protein forms I2202fs.
Identifiers: ClinVar variation 197597 (VCV000197597.29), dbSNP rs758329611, ClinGen allele CA346885.